The following is an entry in ClinVar:

NM_001134407.3(GRIN2A):c.3299A>G (p.Glu1100Gly)

Gene: GRIN2A (glutamate ionotropic receptor NMDA type subunit 2A; minus strand). Cytogenetic location: 16p13.2.
Variant type: single nucleotide variant.
Coding change: c.3299A>G on transcript NM_001134407.3 (MANE Select); coding-DNA position 3299, A replaced by G.
Protein change: p.Glu1100Gly; replaces glutamic acid 1100 with glycine.
Molecular consequence: missense variant.
Genome position (GRCh38, 1-based): chr16:9,764,245, T>C on the plus strand (A>G on the coding strand, the complement: GRIN2A is on the minus strand). VCF-style: chr16-9764245-T-C. GRCh37 (hg19) VCF-style: chr16-9858102-T-C.
Other names: c.3299A>G, p.Glu1100Gly (NM_000833.5, NM_001134408.2); short protein forms E1100G.
Identifiers: ClinVar variation 2984715 (VCV002984715.3), dbSNP rs1268346603, ClinGen allele CA394708166.

ClinVar aggregate classification (germline): Uncertain significance (1 of 4 stars; one submission).

Conditions:
Landau-Kleffner syndrome (FESD). Also called: EPILEPSY, FOCAL, WITH SPEECH DISORDER AND WITH OR WITHOUT MENTAL RETARDATION; APHASIA, ACQUIRED, WITH EPILEPSY. Identifiers: Orphanet 1945, Orphanet 725, Orphanet 98818, MedGen C0282512, MONDO:0009509, OMIM 245570.

Allele frequency attached by ClinVar (database versions not stated): gnomAD 0.00001; TOPMed 0.00001.
gnomAD v4.1: 5 of 1,613,972 alleles (0.00031%); highest among the groups gnomAD compares: African/African-American, 0.0013%; no homozygotes.

Submission:

Labcorp Genetics (formerly Invitae), Labcorp
Classification: Uncertain significance for Landau-Kleffner syndrome. Last evaluated: 2023-09-05. Review status: criteria provided, single submitter. Criteria: Invitae Variant Classification Sherloc (09022015). Collection method: clinical testing. Allele origin: germline.
Comment: This sequence change replaces glutamic acid, which is acidic and polar, with glycine, which is neutral and non-polar, at codon 1100 of the GRIN2A protein (p.Glu1100Gly). This variant is present in population databases (no rsID available, gnomAD 0.0009%). In summary, the available evidence is currently insufficient to determine the role of this variant in disease. Therefore, it has been classified as a Variant of Uncertain Significance. This missense change has been observed in individual(s) with GRIN2A-related conditions (PMID: 33623275). Advanced modeling of protein sequence and biophysical properties (such as structural, functional, and spatial information, amino acid conservation, physicochemical variation, residue mobility, and thermodynamic stability) performed at Invitae indicates that this missense variant is not expected to disrupt GRIN2A protein function.

Literature cited by the submitters: PubMed 33623275.